The following is an entry in ClinVar:

ClinVar aggregate classification (germline): Uncertain significance. Review status: criteria provided, multiple submitters, no conflicts (2 of 4 stars). 3 submissions from 3 submitters: Uncertain significance (3). Last evaluated 2025-10-06.

Conditions:
Adams-Oliver syndrome 5 (AOS5). Identifiers: Orphanet 974, MedGen C4014970, MONDO:0014459, OMIM 616028.
Familial thoracic aortic aneurysm and aortic dissection (TAAD). Also called: Thoracic aortic aneurysms and dissections. Identifiers: Orphanet 91387, MedGen C4707243, MONDO:0019625.

Allele frequency attached by ClinVar (database versions not stated): gnomAD 0.00001; TOPMed 0.00001; gnomAD exomes 0.00002 and 0.00005; ExAC 0.00003.
gnomAD v4.1: 72 of 1,613,076 alleles (0.0045%); highest among the groups gnomAD compares: Non-Finnish European, 0.0058%; no homozygotes.

Submissions (3):

Labcorp Genetics (formerly Invitae), Labcorp
Classification: Uncertain significance for Adams-Oliver syndrome 5. Last evaluated: 2025-10-06. Review status: criteria provided, single submitter. Criteria: Invitae Variant Classification Sherloc (09022015). Collection method: clinical testing. Allele origin: germline.
Comment: This sequence change replaces glycine, which is neutral and non-polar, with serine, which is neutral and polar, at codon 1072 of the NOTCH1 protein (p.Gly1072Ser). This variant is present in population databases (rs780582836, gnomAD 0.004%). This variant has not been reported in the literature in individuals affected with NOTCH1-related conditions. ClinVar contains an entry for this variant (Variation ID: 1526357). Invitae Evidence Modeling of protein sequence and biophysical properties (such as structural, functional, and spatial information, amino acid conservation, physicochemical variation, residue mobility, and thermodynamic stability) indicates that this missense variant is expected to disrupt NOTCH1 protein function with a positive predictive value of 80%. In summary, the available evidence is currently insufficient to determine the role of this variant in disease. Therefore, it has been classified as a Variant of Uncertain Significance.

Ambry Genetics
Classification: Uncertain significance for Familial thoracic aortic aneurysm and aortic dissection. Last evaluated: 2024-02-16. Review status: criteria provided, single submitter. Criteria: Ambry Variant Classification Scheme 2023. Collection method: clinical testing. Allele origin: germline.
Comment: The p.G1072S variant (also known as c.3214G>A), located in coding exon 20 of the NOTCH1 gene, results from a G to A substitution at nucleotide position 3214. The glycine at codon 1072 is replaced by serine, an amino acid with similar properties. This amino acid position is conserved. In addition, this alteration is predicted to be deleterious by in silico analysis. Since supporting evidence is limited at this time, the clinical significance of this alteration remains unclear.

GeneDx
Classification: Uncertain significance. Last evaluated: 2022-03-18. Review status: criteria provided, single submitter. Criteria: GeneDx Variant Classification Process June 2021. Collection method: clinical testing. Allele origin: germline. Affected: yes.
Comment: Has not been previously published as pathogenic or benign to our knowledge; Not observed at a significant frequency in large population cohorts (gnomAD); In silico analysis supports that this missense variant has a deleterious effect on protein structure/function

NM_017617.5(NOTCH1):c.3214G>A (p.Gly1072Ser)

Gene: NOTCH1 (notch receptor 1; minus strand). Cytogenetic location: 9q34.3.
Variant type: single nucleotide variant.
Coding change: c.3214G>A on transcript NM_017617.5 (MANE Select); coding-DNA position 3214, G replaced by A.
Protein change: p.Gly1072Ser; replaces glycine 1072 with serine.
Molecular consequence: missense variant.
Genome position (GRCh38, 1-based): chr9:136,508,343, C>T on the plus strand (G>A on the coding strand, the complement: NOTCH1 is on the minus strand). VCF-style: chr9-136508343-C-T. GRCh37 (hg19) VCF-style: chr9-139402795-C-T.
Other names: short protein forms G1072S.
Identifiers: ClinVar variation 1526357 (VCV001526357.8), dbSNP rs780582836, ClinGen allele CA5341014.